The following is an entry in ClinVar:

ClinVar aggregate classification (germline): Uncertain significance (1 of 4 stars; one submission).

Submission:

Labcorp Genetics (formerly Invitae), Labcorp
Classification: Uncertain significance. Last evaluated: 2020-12-23. Review status: criteria provided, single submitter. Criteria: Invitae Variant Classification Sherloc (09022015). Collection method: clinical testing. Allele origin: germline.
Comment: In summary, the available evidence is currently insufficient to determine the role of this variant in disease. Therefore, it has been classified as a Variant of Uncertain Significance. Algorithms developed to predict the effect of missense changes on protein structure and function are either unavailable or do not agree on the potential impact of this missense change (SIFT: "Tolerated"; PolyPhen-2: "Possibly Damaging"; Align-GVGD: "Class C0"). This variant has not been reported in the literature in individuals with POLE-related conditions. This variant is not present in population databases (ExAC no frequency). This sequence change replaces phenylalanine with tyrosine at codon 2138 of the POLE protein (p.Phe2138Tyr). The phenylalanine residue is highly conserved and there is a small physicochemical difference between phenylalanine and tyrosine.

NM_006231.4(POLE):c.6413T>A (p.Phe2138Tyr)

Gene: POLE (DNA polymerase epsilon, catalytic subunit; minus strand). Cytogenetic location: 12q24.33.
Variant type: single nucleotide variant.
Coding change: c.6413T>A on transcript NM_006231.4 (MANE Select); coding-DNA position 6413, T replaced by A.
Protein change: p.Phe2138Tyr; replaces phenylalanine 2138 with tyrosine.
Molecular consequence: missense variant.
Genome position (GRCh38, 1-based): chr12:132,626,235, A>T on the plus strand (T>A on the coding strand, the complement: POLE is on the minus strand). VCF-style: chr12-132626235-A-T. GRCh37 (hg19) VCF-style: chr12-133202821-A-T.
Other names: short protein forms F2138Y.
Identifiers: ClinVar variation 1496525 (VCV001496525.8), dbSNP rs2138431752, ClinGen allele CA387367647.